The following is an entry in ClinVar:

NM_152490.5(B3GALNT2):c.651+5A>C

Gene: B3GALNT2 (beta-1,3-N-acetylgalactosaminyltransferase 2; minus strand). Cytogenetic location: 1q42.3.
Variant type: single nucleotide variant.
Coding change: c.651+5A>C on transcript NM_152490.5 (MANE Select); 5 bases into the intron after coding-DNA position 651, A replaced by C.
Molecular consequence: intron variant.
Genome position (GRCh38, 1-based): chr1:235,480,049, T>G on the plus strand (A>C on the coding strand, the complement: B3GALNT2 is on the minus strand). VCF-style: chr1-235480049-T-G. GRCh37 (hg19) VCF-style: chr1-235643365-T-G.
Other names: c.774+5A>C (NM_001277155.3).
Identifiers: ClinVar variation 384641 (VCV000384641.1), dbSNP rs750146613, ClinGen allele CA1464858.

ClinVar aggregate classification (germline): Likely benign (1 of 4 stars; one submission).

Allele frequency attached by ClinVar (database versions not stated): ExAC 0.00001; TOPMed 0.00002; gnomAD 0.00001.
gnomAD v4.1: 14 of 1,613,656 alleles (0.00087%); highest among the groups gnomAD compares: Admixed American, 0.0017%; no homozygotes.

Submission:

GeneDx
Classification: Likely benign. Last evaluated: 2016-03-22. Review status: criteria provided, single submitter. Criteria: GeneDx Variant Classification (06012015). Collection method: clinical testing. Allele origin: germline. Affected: yes.
Comment: This variant is considered likely benign or benign based on one or more of the following criteria: it is a conservative change, it occurs at a poorly conserved position in the protein, it is predicted to be benign by multiple in silico algorithms, and/or has population frequency not consistent with disease.